The following is an entry in ClinVar:

NM_012280.4(FTSJ1):c.325C>T (p.Pro109Ser)

Gene: FTSJ1 (FtsJ RNA 2'-O-methyltransferase 1; plus strand). Cytogenetic location: Xp11.23.
Variant type: single nucleotide variant.
Coding change: c.325C>T on transcript NM_012280.4 (MANE Select); coding-DNA position 325, C replaced by T.
Protein change: p.Pro109Ser; replaces proline 109 with serine.
Molecular consequence: missense variant.
Genome position (GRCh38, 1-based): chrX:48,479,080, C>T. VCF-style: chrX-48479080-C-T. GRCh37 (hg19) VCF-style: chrX-48337468-C-T.
Other names: c.-34C>T (NM_001282157.2); c.325C>T, p.Pro109Ser (NM_177439.3); short protein forms P109S.
Identifiers: ClinVar variation 835012 (VCV000835012.11), dbSNP rs200713075, ClinGen allele CA10402530.
Genomic context (GRCh38, chrX:48,479,080, plus strand): 5'-TCCTCCCTCTCTCCATAGCTGTCCACTGCCAAGGAGATCATCCAGCACTTTAAGGGCTGC[C>T]CTGCGGACCTAGTGGTGTGTGACGGGGCTCCTGATGGTAAATAGCAACAGAAAGTGGGAG-3'
Protein context (NP_036412.1, residues 99-119): KEIIQHFKGC[Pro109Ser]ADLVVCDGAP

ClinVar aggregate classification (germline): Conflicting classifications of pathogenicity. Review status: criteria provided, conflicting classifications (1 of 4 stars). 3 submissions from 3 submitters: Uncertain significance (1); Likely benign (2). Last evaluated 2026-01-01.

Conditions:
Inborn genetic diseases. Identifiers: MedGen C0950123, MeSH D030342.

Allele frequency attached by ClinVar (database versions not stated): ExAC 0.00003; gnomAD exomes 0.00007 and 0.00021; 1000 Genomes Project 0.00053; 1000 Genomes Project 30x 0.00062; gnomAD 0.00079 and 0.00080; TOPMed 0.00095.
gnomAD v4.1: 159 of 1,206,318 alleles (0.013%); highest among the groups gnomAD compares: Admixed American, 0.34%; 2 homozygotes.

Submissions (3):

CeGaT Center for Human Genetics Tuebingen
Classification: Likely benign. Last evaluated: 2026-01-01. Review status: criteria provided, single submitter. Criteria: CeGaT Center For Human Genetics Tuebingen Variant Classification Criteria Version 2. Collection method: clinical testing. Allele origin: germline. Affected: yes. Observed: 1 variant allele.
Comment: FTSJ1: BP4, BS2

Labcorp Genetics (formerly Invitae), Labcorp
Classification: Uncertain significance. Last evaluated: 2022-07-26. Review status: criteria provided, single submitter. Criteria: Invitae Variant Classification Sherloc (09022015). Collection method: clinical testing. Allele origin: germline.
Comment: This sequence change replaces proline, which is neutral and non-polar, with serine, which is neutral and polar, at codon 109 of the FTSJ1 protein (p.Pro109Ser). The frequency data for this variant in the population databases is considered unreliable, as metrics indicate poor data quality at this position in the gnomAD database. This variant has not been reported in the literature in individuals affected with FTSJ1-related conditions. ClinVar contains an entry for this variant (Variation ID: 835012). Algorithms developed to predict the effect of missense changes on protein structure and function (SIFT, PolyPhen-2, Align-GVGD) all suggest that this variant is likely to be tolerated. In summary, the available evidence is currently insufficient to determine the role of this variant in disease. Therefore, it has been classified as a Variant of Uncertain Significance.

Ambry Genetics
Classification: Likely benign for Inborn genetic diseases. Last evaluated: 2022-03-11. Review status: criteria provided, single submitter. Criteria: Ambry Variant Classification Scheme 2023. Collection method: clinical testing. Allele origin: germline.